The following is an entry in ClinVar:

NM_001754.5(RUNX1):c.299C>T (p.Ser100Phe)

Gene: RUNX1 (RUNX family transcription factor 1; minus strand). Cytogenetic location: 21q22.12.
Variant type: single nucleotide variant.
Coding change: c.299C>T on transcript NM_001754.5 (MANE Select); coding-DNA position 299, C replaced by T.
Protein change: p.Ser100Phe; replaces serine 100 with phenylalanine.
Molecular consequence: missense variant.
Genome position (GRCh38, 1-based): chr21:34,886,895, G>A on the plus strand (C>T on the coding strand, the complement: RUNX1 is on the minus strand). VCF-style: chr21-34886895-G-A. GRCh37 (hg19) VCF-style: chr21-36259192-G-A.
Other names: NM_001754.5(RUNX1):c.299C>T; p.Ser100Phe; c.218C>T, p.Ser73Phe (NM_001001890.3, NM_001122607.2); short protein forms S73F, S100F.
Identifiers: ClinVar variation 3674110 (VCV003674110.5).

ClinVar aggregate classification (germline): Uncertain significance. Review status: reviewed by expert panel (3 of 4 stars). 4 submissions from 4 submitters: Uncertain significance (1). 3 of the submissions do not count toward it. Last evaluated 2025-05-02.

Conditions:
Inborn genetic diseases. Identifiers: MedGen C0950123, MeSH D030342.
Hereditary thrombocytopenia and hematological cancer predisposition syndrome associated with RUNX1. Also called: RUNX1 Familial Platelet Disorder with Associated Myeloid Malignancies; Familial Platelet Disorder with Propensity to Acute Myelogenous Leukemia; Familial thrombocytopenia with propensity to acute myelogenous leukemia; PLATELET DISORDER, ASPIRIN-LIKE. Identifiers: Orphanet 71290, MedGen C1832388, MeSH C563324, MONDO:0100083, OMIM 601399.
Hereditary thrombocytopenia and hematologic cancer predisposition syndrome. Identifiers: Orphanet 71290, MedGen CN281654, MONDO:0011071.

Submissions (4):

ClinGen Myeloid Malignancy Variant Curation Expert Panel
Classification: Uncertain significance for Hereditary thrombocytopenia and hematologic cancer predisposition syndrome. Last evaluated: 2025-05-02. Review status: reviewed by expert panel. Criteria: ClinGen MyeloMalig ACMG Specifications v2. Collection method: curation. Allele origin: germline. Inheritance: Autosomal dominant inheritance.
Comment: NM_001754.5(RUNX1):c.299C>T (p.Ser100Phe) is a missense variant which has a REVEL score ≥ 0.88 (0.955) (PP3). This missense variant is located within the Runt Homology Domain (AA 89-204), but does not occur in an established hotspot residue (PM1_Supporting). It is completely absent from all population databases with at least 20x coverage for RUNX1 (PM2_Supporting). This variant has been reported in one proband meeting at least one of the RUNX1-phenotypic criteria (PS4_Supporting; PMID: 39822584). In summary, the clinical significance of this variant is uncertain. ACMG/AMP criteria applied, as specified by the Myeloid Malignancy Variant Curation Expert Panel for RUNX1: PP3, PM1_Supporting, PM2_Supporting, PS4_Supporting.

Ambry Genetics
Classification: Uncertain significance for Inborn genetic diseases. Last evaluated: 2026-01-22. Review status: criteria provided, single submitter. Criteria: Ambry Variant Classification Scheme 2023. Collection method: clinical testing. Allele origin: germline. Not counted in ClinVar's aggregate classification.
Comment: The p.S100F variant (also known as c.299C>T), located in coding exon 3 of the RUNX1 gene, results from a C to T substitution at nucleotide position 299. The serine at codon 100 is replaced by phenylalanine, an amino acid with highly dissimilar properties. This amino acid position is highly conserved in available vertebrate species. In addition, this alteration is predicted to be deleterious by in silico analysis. Based on the available evidence, the clinical significance of this variant remains unclear.

Labcorp Genetics (formerly Invitae), Labcorp
Classification: Uncertain significance for Hereditary thrombocytopenia and hematological cancer predisposition syndrome associated with RUNX1. Last evaluated: 2024-11-04. Review status: criteria provided, single submitter. Criteria: Invitae Variant Classification Sherloc (09022015). Collection method: clinical testing. Allele origin: germline. Not counted in ClinVar's aggregate classification.
Comment: This sequence change replaces serine, which is neutral and polar, with phenylalanine, which is neutral and non-polar, at codon 100 of the RUNX1 protein (p.Ser100Phe). This variant is not present in population databases (gnomAD no frequency). This variant has not been reported in the literature in individuals affected with RUNX1-related conditions. Invitae Evidence Modeling of protein sequence and biophysical properties (such as structural, functional, and spatial information, amino acid conservation, physicochemical variation, residue mobility, and thermodynamic stability) has been performed for this missense variant. However, the output from this modeling did not meet the statistical confidence thresholds required to predict the impact of this variant on RUNX1 protein function. Experimental studies have shown that this missense change affects RUNX1 function (PMID: 25840971). In summary, the available evidence is currently insufficient to determine the role of this variant in disease. Therefore, it has been classified as a Variant of Uncertain Significance.

Blueprint Genetics
Classification: Uncertain significance. Last evaluated: 2021-09-18. Review status: criteria provided, single submitter. Criteria: ACMG Guidelines, 2015. Collection method: clinical testing. Allele origin: germline. Not counted in ClinVar's aggregate classification.

Literature cited by the submitters: PubMed 25840971 (cited by Labcorp Genetics (formerly Invitae), Labcorp).